The following is an entry in ClinVar:

NM_012186.3(FOXE3):c.883G>A (p.Ala295Thr)

Genes: FOXE3 (forkhead box E3; plus strand), LINC01389 (long independently transcribed non-coding RNA 1389; minus strand). Cytogenetic location: 1p33.
Variant type: single nucleotide variant.
Coding change: c.883G>A on transcript NM_012186.3 (MANE Select); coding-DNA position 883, G replaced by A.
Protein change: p.Ala295Thr; replaces alanine 295 with threonine.
Molecular consequence: missense variant.
Genome position (GRCh38, 1-based): chr1:47,417,198, G>A. VCF-style: chr1-47417198-G-A. GRCh37 (hg19) VCF-style: chr1-47882870-G-A.
Other names: c.883G>A (NM_012186.2); short protein forms A295T.
Identifiers: ClinVar variation 1960158 (VCV001960158.6), dbSNP rs1428446983, ClinGen allele CA340250936.

ClinVar aggregate classification (germline): Uncertain significance. Review status: criteria provided, multiple submitters, no conflicts (2 of 4 stars). 2 submissions from 2 submitters: Uncertain significance (2). Last evaluated 2024-11-10.

Conditions:
Cardiovascular phenotype. Identifiers: MedGen CN230736.
Congenital primary aphakia. Also called: Anterior segment dysgenesis 2, multiple subtypes; ANTERIOR SEGMENT DYSGENESIS 2. Identifiers: Orphanet 83461, MedGen C1853230, MONDO:0012456, OMIM 610256.
Anterior segment dysgenesis. Also called: Ocular anterior segment dysgenesis. Identifiers: Orphanet 88632, MedGen C1862839, MONDO:0019503, HP:0007700.

Submissions (2):

Ambry Genetics
Classification: Uncertain significance for Cardiovascular phenotype. Last evaluated: 2024-11-10. Review status: criteria provided, single submitter. Criteria: Ambry Variant Classification Scheme 2023. Collection method: clinical testing. Allele origin: germline.

Labcorp Genetics (formerly Invitae), Labcorp
Classification: Uncertain significance for Anterior segment dysgenesis; Congenital primary aphakia. Last evaluated: 2022-10-26. Review status: criteria provided, single submitter. Criteria: Invitae Variant Classification Sherloc (09022015). Collection method: clinical testing. Allele origin: germline.
Comment: Algorithms developed to predict the effect of missense changes on protein structure and function output the following: SIFT: "Tolerated"; PolyPhen-2: "Benign"; Align-GVGD: "Class C0". The threonine amino acid residue is found in multiple mammalian species, which suggests that this missense change does not adversely affect protein function. This variant has not been reported in the literature in individuals affected with FOXE3-related conditions. This variant is not present in population databases (gnomAD no frequency). This sequence change replaces alanine, which is neutral and non-polar, with threonine, which is neutral and polar, at codon 295 of the FOXE3 protein (p.Ala295Thr). In summary, the available evidence is currently insufficient to determine the role of this variant in disease. Therefore, it has been classified as a Variant of Uncertain Significance.